The following is an entry in ClinVar:

ClinVar aggregate classification (germline): Pathogenic (1 of 4 stars; one submission).

Conditions:
Aspartylglucosaminuria (AGU). Also called: Aspartylglucos-aminuria; Aspartylglucos-amidase (AGA) deficiency; GLYCOASPARAGINASE; GLYCOSYLASPARAGINASE DEFICIENCY; AGA DEFICIENCY. Identifiers: Orphanet 93, MedGen C0268225, MONDO:0008830, OMIM 208400, HP:0012068.

Submission:

3billion
Classification: Pathogenic for Aspartylglucosaminuria. Last evaluated: 2025-09-22. Review status: criteria provided, single submitter. Criteria: ACMG Guidelines, 2015. Collection method: clinical testing. Allele origin: germline. Affected: yes.
Comment: The variant is not observed in the gnomAD v4.1.0 dataset. Predicted Consequence/Location: Canonical splice site: predicted to alter splicing and result in a loss or disruption of normal protein function. Multiple pathogenic loss-of-function variants are reported downstream of the variant. In silico tools predict the variant to alter splicing and produce an abnormal transcript [SpliceAI: 0.52 (spliceogenicity >=0.2, non-spliceogenicity <0.1)]. Therefore, this variant is classified as Pathogenic according to the recommendation of ACMG/AMP guideline.

NM_000027.4(AGA):c.623-1G>A

Gene: AGA (aspartylglucosaminidase; minus strand). Cytogenetic location: 4q34.3.
Variant type: single nucleotide variant.
Coding change: c.623-1G>A on transcript NM_000027.4 (MANE Select); the canonical splice acceptor site of the intron before coding-DNA position 623, G replaced by A.
Molecular consequence: splice acceptor variant.
Genome position (GRCh38, 1-based): chr4:177,436,352, C>T on the plus strand (G>A on the coding strand, the complement: AGA is on the minus strand). VCF-style: chr4-177436352-C-T. GRCh37 (hg19) VCF-style: chr4-178357506-C-T.
Other names: c.623-1G>A (NM_001171988.2).
Identifiers: ClinVar variation 4854759 (VCV004854759.1).